The following is an entry in ClinVar:

ClinVar aggregate classification (germline): Uncertain significance (1 of 4 stars; one submission).

Submission:

CeGaT Center for Human Genetics Tuebingen
Classification: Uncertain significance. Last evaluated: 2023-07-01. Review status: criteria provided, single submitter. Criteria: CeGaT Center For Human Genetics Tuebingen Variant Classification Criteria Version 2. Collection method: clinical testing. Allele origin: germline. Affected: yes. Observed: 1 variant allele.
Comment: NSD2: PM2, PP2, PP3

NM_001042424.3(NSD2):c.2780A>T (p.Asp927Val)

Gene: NSD2 (nuclear receptor binding SET domain protein 2; plus strand). Cytogenetic location: 4p16.3.
Variant type: single nucleotide variant.
Coding change: c.2780A>T on transcript NM_001042424.3 (MANE Select); coding-DNA position 2780, A replaced by T.
Protein change: p.Asp927Val; replaces aspartic acid 927 with valine.
Molecular consequence: missense variant.
Genome position (GRCh38, 1-based): chr4:1,956,087, A>T. VCF-style: chr4-1956087-A-T. GRCh37 (hg19) VCF-style: chr4-1957814-A-T.
Other names: c.2780A>T, p.Asp927Val (NM_133330.3, NM_133331.3, NM_133335.4); short protein forms D927V.
Identifiers: ClinVar variation 2654583 (VCV002654583.24), dbSNP rs2474638929, ClinGen allele CA355991588.
Genomic context (GRCh38, chr4:1,956,087, plus strand): 5'-ATATTCAGAAAATGAAGCACGAGATTGGAGAATTCCCTGTGTTTTTCTTTGGGTCTAAAG[A>T]TTATTACTGGACGCATCAGGCGCGAGTGTTCCCGTACATGGAGGGGGACCGGGGCAGCCG-3'
Protein context (NP_001035889.1, residues 917-937): EFPVFFFGSK[Asp927Val]YYWTHQARVF